The following is an entry in ClinVar:

ClinVar aggregate classification (germline): Uncertain significance (1 of 4 stars; one submission).

Submission:

GeneDx
Classification: Uncertain significance. Last evaluated: 2019-09-09. Review status: criteria provided, single submitter. Criteria: GeneDx Variant Classification Process June 2021. Collection method: clinical testing. Allele origin: germline. Affected: yes.
Comment: Not observed in large population cohorts (Lek et al., 2016); Has not been previously published as pathogenic or benign to our knowledge

NM_001378454.1(ALMS1):c.1003G>T (p.Asp335Tyr)

Gene: ALMS1 (ALMS1 centrosome and basal body associated protein; plus strand). Cytogenetic location: 2p13.1.
Variant type: single nucleotide variant.
Coding change: c.1003G>T on transcript NM_001378454.1 (MANE Select); coding-DNA position 1003, G replaced by T.
Protein change: p.Asp335Tyr; replaces aspartic acid 335 with tyrosine.
Molecular consequence: missense variant.
Genome position (GRCh38, 1-based): chr2:73,424,668, G>T. VCF-style: chr2-73424668-G-T. GRCh37 (hg19) VCF-style: chr2-73651796-G-T.
Other names: c.1006G>T, p.Asp336Tyr (NM_015120.4); short protein forms D335Y, D336Y.
Identifiers: ClinVar variation 1215118 (VCV001215118.3), dbSNP rs779002116, ClinGen allele CA347261210.
Genomic context (GRCh38, chr2:73,424,668, plus strand): 5'-TCTGAACAAGGGAATAATGAAGAGACTATTTCGTCTGTTGATGAACTGAAAATTCCCAAA[G>T]ACTGTGATCGTTATGATGATCTTTGTTCATATATGTCATGGAAGACACGAAAAGATACAC-3'
Protein context (NP_001365383.1, residues 325-345): SSVDELKIPK[Asp335Tyr]CDRYDDLCSY